The following is an entry in ClinVar:

NC_000006.11:g.(?_129612749)_(129612875_?)del

Gene: LAMA2 (laminin subunit alpha 2; plus strand). Cytogenetic location: 6q22.33.
Variant type: Deletion.
Identifiers: ClinVar variation 2423051 (VCV002423051.5).

ClinVar aggregate classification (germline): Pathogenic (1 of 4 stars; one submission).

Conditions:
LAMA2-related muscular dystrophy (LAMA2-RD). Also called: Laminin alpha 2-related dystrophy. Identifiers: MedGen C5679788, MONDO:0100228.

Submission:

Labcorp Genetics (formerly Invitae), Labcorp
Classification: Pathogenic for LAMA2-related muscular dystrophy. Last evaluated: 2022-02-23. Review status: criteria provided, single submitter. Criteria: Invitae Variant Classification Sherloc (09022015). Collection method: clinical testing. Allele origin: germline.
Comment: For these reasons, this variant has been classified as Pathogenic. A similar copy number variant has been observed in individual(s) with LAMA2-related conditions (PMID: 30301903). This variant is a gross deletion of the genomic region encompassing exon(s) 20 of the LAMA2 gene. This deletion is out-of-frame, and is expected to create a premature termination codon and result in an absent or disrupted protein product. Loss-of-function variants in LAMA2 are known to be pathogenic (PMID: 18700894, 32904964).

Literature cited by the submitters: PubMed 30301903; PubMed 18700894; PubMed 32904964.